The following is an entry in ClinVar:

ClinVar aggregate classification (germline): Uncertain significance (1 of 4 stars; one submission).

Conditions:
Hereditary cancer-predisposing syndrome. Also called: Neoplastic Syndromes, Hereditary; Tumor predisposition; Hereditary neoplastic syndrome; Hereditary Cancer Syndrome. Identifiers: Orphanet 140162, MedGen C0027672, MeSH D009386, MONDO:0015356.

Submission:

Ambry Genetics
Classification: Uncertain significance for Hereditary cancer-predisposing syndrome. Last evaluated: 2023-09-17. Review status: criteria provided, single submitter. Criteria: Ambry Variant Classification Scheme 2023. Collection method: clinical testing. Allele origin: germline.
Comment: The c.1266_1267delGCinsTT variant (also known as p.H423Y), located in coding exon 8 of the FLCN gene, results from an in-frame deletion of GC and insertion of TT at nucleotide positions 1266 to 1267. This results in the substitution of the histidine residue for a tyrosine residue at codon 423, an amino acid with similar properties. This amino acid position is not well conserved in available vertebrate species. In addition, this alteration is predicted to be neutral by in silico analysis (Choi Y et al. PLoS ONE. 2012; 7(10):e46688). Since supporting evidence is limited at this time, the clinical significance of this alteration remains unclear.

NM_144997.7(FLCN):c.1266_1267delinsTT (p.His423Tyr)

Gene: FLCN (folliculin; minus strand). Cytogenetic location: 17p11.2.
Variant type: Indel.
Coding change: c.1266_1267delinsTT on transcript NM_144997.7 (MANE Select); coding-DNA positions 1266 to 1267, GC replaced by TT.
Protein change: p.His423Tyr; replaces histidine 423 with tyrosine.
Molecular consequence: missense variant.
Genome position (GRCh38, 1-based): chr17:17,216,413-17,216,414, GC replaced by AA on the plus strand (GC replaced by TT on the coding strand, the reverse complement: FLCN is on the minus strand). VCF-style: chr17-17216413-GC-AA. GRCh37 (hg19) VCF-style: chr17-17119727-GC-AA.
Other names: c.1320_1321delinsTT, p.His441Tyr (NM_001353229.2); c.1266_1267delinsTT, p.His423Tyr (NM_001353230.2, NM_001353231.2); short protein forms H423Y, H441Y.
Identifiers: ClinVar variation 3229229 (VCV003229229.1), dbSNP rs2544161961, ClinGen allele CA2825002448.